The following is an entry in ClinVar:

NM_021815.5(SLC5A7):c.364dup (p.Tyr122fs)

Gene: SLC5A7 (solute carrier family 5 member 7; plus strand). Cytogenetic location: 2q12.3.
Variant type: Duplication.
Coding change: c.364dup on transcript NM_021815.5 (MANE Select); coding-DNA position 364, one base duplicated (T; older notation c.364dupT).
Protein change: p.Tyr122fs; shifts the reading frame from tyrosine 122.
Molecular consequence: frameshift variant. On other transcripts: 5 prime UTR variant (1).
Genome position (GRCh38, 1-based): chr2:107,993,043, T duplicated. VCF-style (leftmost placement, unchanged base first): chr2-107993042-C-CT. GRCh37 (hg19) VCF-style: chr2-108609498-C-CT.
Other names: c.364dup, p.Tyr122fs (NM_001305005.3); c.49dup, p.Tyr17fs (NM_001305006.3); c.-341dup (NM_001305007.3); short protein forms Y17fs, Y122fs.
Identifiers: ClinVar variation 1426671 (VCV001426671.6), dbSNP rs2104342591, ClinGen allele CA2573133002.

ClinVar aggregate classification (germline): Pathogenic (1 of 4 stars; one submission).

Conditions:
Neuronopathy, distal hereditary motor, type 7A. Also called: SPINAL MUSCULAR ATROPHY, DISTAL, WITH VOCAL CORD PARALYSIS; Neuronopathy, distal hereditary motor, type viia; HARPER-YOUNG MYOPATHY; HMN VIIA; NEURONOPATHY, DISTAL HEREDITARY MOTOR, HARDING TYPE VIIA; NEUROPATHY, DISTAL HEREDITARY MOTOR, HARDING TYPE VIIA. Identifiers: Orphanet 139589, MedGen C1834703, MONDO:0008024, OMIM 158580.
Congenital myasthenic syndrome 20. Also called: Myasthenic syndrome, congenital, 20, presynaptic. Identifiers: MedGen C4310694, MONDO:0014939, OMIM 617143.

Submission:

Labcorp Genetics (formerly Invitae), Labcorp
Classification: Pathogenic for Neuronopathy, distal hereditary motor, type 7A; Congenital myasthenic syndrome 20. Last evaluated: 2025-03-07. Review status: criteria provided, single submitter. Criteria: Invitae Variant Classification Sherloc (09022015). Collection method: clinical testing. Allele origin: germline.
Comment: This sequence change creates a premature translational stop signal (p.Tyr122Leufs*67) in the SLC5A7 gene. It is expected to result in an absent or disrupted protein product. Loss-of-function variants in SLC5A7 are known to be pathogenic (PMID: 15173594, 27569547, 39135055). This variant is not present in population databases (gnomAD no frequency). This variant has not been reported in the literature in individuals affected with SLC5A7-related conditions. ClinVar contains an entry for this variant (Variation ID: 1426671). For these reasons, this variant has been classified as Pathogenic.

Literature cited by the submitters: PubMed 15173594; PubMed 27569547; PubMed 39135055.